The following is an entry in ClinVar:

NM_139058.3(ARX):c.1298C>T (p.Ala433Val)

Gene: ARX (aristaless related homeobox; minus strand). Cytogenetic location: Xp21.3.
Variant type: single nucleotide variant.
Coding change: c.1298C>T on transcript NM_139058.3 (MANE Select); coding-DNA position 1298, C replaced by T.
Protein change: p.Ala433Val; replaces alanine 433 with valine.
Molecular consequence: missense variant.
Genome position (GRCh38, 1-based): chrX:25,007,261, G>A on the plus strand (C>T on the coding strand, the complement: ARX is on the minus strand). VCF-style: chrX-25007261-G-A. GRCh37 (hg19) VCF-style: chrX-25025378-G-A.
Other names: short protein forms A433V.
Identifiers: ClinVar variation 1517026 (VCV001517026.8), dbSNP rs2147320466, ClinGen allele CA412611301.

ClinVar aggregate classification (germline): Uncertain significance (1 of 4 stars; one submission).

Conditions:
Developmental and epileptic encephalopathy, 1 (DEE1). Also called: OHTAHARA SYNDROME, X-LINKED; INFANTILE SPASM SYNDROME, X-LINKED 1; X-linked infantile spasms; West's syndrome; Tonic spasms with clustering, arrest of psychomotor development and hypsarrhythmia on EEG; X-Linked Infantile Spasm Syndrome. Identifiers: MedGen C3463992, MONDO:0010632, OMIM 308350. Disease mechanism: loss of function.
Intellectual disability, X-linked, with or without seizures, ARX-related. Also called: INTELLECTUAL DEVELOPMENTAL DISORDER, X-LINKED 29; MENTAL RETARDATION, X-LINKED 29; MENTAL RETARDATION, X-LINKED 32; MENTAL RETARDATION, X-LINKED 33; MENTAL RETARDATION, X-LINKED 38; MENTAL RETARDATION, X-LINKED 43. Identifiers: Orphanet 777, MedGen C0796244, MONDO:0010317, OMIM 300419.

Submission:

Labcorp Genetics (formerly Invitae), Labcorp
Classification: Uncertain significance for Developmental and epileptic encephalopathy, 1; Intellectual disability, X-linked, with or without seizures, ARX-related. Last evaluated: 2021-07-02. Review status: criteria provided, single submitter. Criteria: Invitae Variant Classification Sherloc (09022015). Collection method: clinical testing. Allele origin: germline.
Comment: In summary, the available evidence is currently insufficient to determine the role of this variant in disease. Therefore, it has been classified as a Variant of Uncertain Significance. Advanced modeling of protein sequence and biophysical properties (such as structural, functional, and spatial information, amino acid conservation, physicochemical variation, residue mobility, and thermodynamic stability) performed at Invitae indicates that this missense variant is expected to disrupt ARX protein function. This variant has not been reported in the literature in individuals affected with ARX-related conditions. The frequency data for this variant in the population databases is considered unreliable, as metrics indicate insufficient coverage at this position in the ExAC database. This sequence change replaces alanine with valine at codon 433 of the ARX protein (p.Ala433Val). The alanine residue is highly conserved and there is a small physicochemical difference between alanine and valine.